The following is an entry in ClinVar:

NM_000489.6(ATRX):c.3917A>G (p.Gln1306Arg)

Gene: ATRX (ATRX chromatin remodeler; minus strand). Cytogenetic location: Xq21.1.
Variant type: single nucleotide variant.
Coding change: c.3917A>G on transcript NM_000489.6 (MANE Select); coding-DNA position 3917, A replaced by G.
Protein change: p.Gln1306Arg; replaces glutamine 1306 with arginine.
Molecular consequence: missense variant.
Genome position (GRCh38, 1-based): chrX:77,664,671, T>C on the plus strand (A>G on the coding strand, the complement: ATRX is on the minus strand). VCF-style: chrX-77664671-T-C. GRCh37 (hg19) VCF-style: chrX-76920160-T-C.
Other names: c.3803A>G, p.Gln1268Arg (NM_138270.5); short protein forms Q1268R, Q1306R.
Identifiers: ClinVar variation 3634990 (VCV003634990.2).

ClinVar aggregate classification (germline): Uncertain significance (1 of 4 stars; one submission).

Conditions:
Alpha thalassemia-X-linked intellectual disability syndrome (ATRX). Also called: ALPHA-THALASSEMIA/MENTAL RETARDATION SYNDROME, X-LINKED; ATR, NONDELETION TYPE; ATR-X syndrome; Alpha thalassemia mental retardation syndrome, nondeletion type, X-linked; XLMR hypotonic face syndrome; X-linked alpha-thalassemia-mental retardation syndrome. Identifiers: Orphanet 847, MedGen C1845055, MONDO:0010519, OMIM 301040.

Submission:

Labcorp Genetics (formerly Invitae), Labcorp
Classification: Uncertain significance for Alpha thalassemia-X-linked intellectual disability syndrome. Last evaluated: 2024-05-09. Review status: criteria provided, single submitter. Criteria: Invitae Variant Classification Sherloc (09022015). Collection method: clinical testing. Allele origin: germline.
Comment: This sequence change replaces glutamine, which is neutral and polar, with arginine, which is basic and polar, at codon 1306 of the ATRX protein (p.Gln1306Arg). This variant is not present in population databases (gnomAD no frequency). This variant has not been reported in the literature in individuals affected with ATRX-related conditions. Advanced modeling of protein sequence and biophysical properties (such as structural, functional, and spatial information, amino acid conservation, physicochemical variation, residue mobility, and thermodynamic stability) performed at Invitae indicates that this missense variant is not expected to disrupt ATRX protein function with a negative predictive value of 95%. In summary, the available evidence is currently insufficient to determine the role of this variant in disease. Therefore, it has been classified as a Variant of Uncertain Significance.